The following is an entry in ClinVar:

ClinVar aggregate classification (germline): Uncertain significance (1 of 4 stars; one submission).

Conditions:
Nemaline myopathy 2 (NEM2). Also called: Nemaline myopathy 2, autosomal recessive. Identifiers: MedGen C1850569, MONDO:0009725, OMIM 256030.

Allele frequency attached by ClinVar (database versions not stated): gnomAD exomes below 0.00001.
gnomAD v4.1: 4 of 1,613,802 alleles (0.00025%); highest among the groups gnomAD compares: South Asian, 0.0022%; no homozygotes.

Submission:

Labcorp Genetics (formerly Invitae), Labcorp
Classification: Uncertain significance for Nemaline myopathy 2. Last evaluated: 2022-04-07. Review status: criteria provided, single submitter. Criteria: Invitae Variant Classification Sherloc (09022015). Collection method: clinical testing. Allele origin: germline.
Comment: Algorithms developed to predict the effect of missense changes on protein structure and function are either unavailable or do not agree on the potential impact of this missense change (SIFT: "Deleterious"; PolyPhen-2: "Not Available"; Align-GVGD: "Class C0"). In summary, the available evidence is currently insufficient to determine the role of this variant in disease. Therefore, it has been classified as a Variant of Uncertain Significance. This variant has not been reported in the literature in individuals affected with NEB-related conditions. This variant is not present in population databases (gnomAD no frequency). This sequence change replaces lysine, which is basic and polar, with asparagine, which is neutral and polar, at codon 1061 of the NEB protein (p.Lys1061Asn).

NM_001164508.2(NEB):c.3183G>C (p.Lys1061Asn)

Gene: NEB (nebulin; minus strand). Cytogenetic location: 2q23.3.
Variant type: single nucleotide variant.
Coding change: c.3183G>C on transcript NM_001164508.2 (MANE Select); coding-DNA position 3183, G replaced by C.
Protein change: p.Lys1061Asn; replaces lysine 1061 with asparagine.
Molecular consequence: missense variant.
Genome position (GRCh38, 1-based): chr2:151,679,793, C>G on the plus strand (G>C on the coding strand, the complement: NEB is on the minus strand). VCF-style: chr2-151679793-C-G. GRCh37 (hg19) VCF-style: chr2-152536307-C-G.
Other names: c.3183G>C, p.Lys1061Asn (NM_001271208.2, NM_001164507.2, NM_004543.5); short protein forms K1061N.
Identifiers: ClinVar variation 1913213 (VCV001913213.5), dbSNP rs2099401085, ClinGen allele CA348820248.